The following is an entry in ClinVar:

NM_001145860.2(POP1):c.2999C>T (p.Ala1000Val)

Gene: POP1 (POP1 ribonuclease P/MRP subunit; plus strand). Cytogenetic location: 8q22.2.
Variant type: single nucleotide variant.
Coding change: c.2999C>T on transcript NM_001145860.2 (MANE Select); coding-DNA position 2999, C replaced by T.
Protein change: p.Ala1000Val; replaces alanine 1000 with valine.
Molecular consequence: missense variant.
Genome position (GRCh38, 1-based): chr8:98,158,195, C>T. VCF-style: chr8-98158195-C-T. GRCh37 (hg19) VCF-style: chr8-99170423-C-T.
Other names: c.2999C>T, p.Ala1000Val (NM_001145861.2, NM_015029.3); short protein forms A1000V.
Identifiers: ClinVar variation 2217702 (VCV002217702.5), dbSNP rs200072075, ClinGen allele CA4820943.

ClinVar aggregate classification (germline): Conflicting classifications of pathogenicity. Review status: criteria provided, conflicting classifications (1 of 4 stars). 2 submissions from 2 submitters: Uncertain significance (1); Likely benign (1). Last evaluated 2023-12-28.

Conditions:
Inborn genetic diseases. Identifiers: MedGen C0950123, MeSH D030342.

Allele frequency attached by ClinVar (database versions not stated): gnomAD 0.00003; ExAC 0.00004; gnomAD exomes 0.00006; ESP Exome Variant Server 0.00008; 1000 Genomes Project 30x 0.00031; 1000 Genomes Project 0.00040.
gnomAD v4.1: 90 of 1,611,752 alleles (0.0056%); highest among the groups gnomAD compares: East Asian, 0.04%; 1 homozygote.

Submissions (2):

Labcorp Genetics (formerly Invitae), Labcorp
Classification: Uncertain significance. Last evaluated: 2023-12-28. Review status: criteria provided, single submitter. Criteria: Invitae Variant Classification Sherloc (09022015). Collection method: clinical testing. Allele origin: germline.
Comment: This sequence change replaces alanine, which is neutral and non-polar, with valine, which is neutral and non-polar, at codon 1000 of the POP1 protein (p.Ala1000Val). This variant is present in population databases (rs200072075, gnomAD 0.02%). This variant has not been reported in the literature in individuals affected with POP1-related conditions. ClinVar contains an entry for this variant (Variation ID: 2217702). Algorithms developed to predict the effect of missense changes on protein structure and function output the following: SIFT: "Not Available"; PolyPhen-2: "Benign"; Align-GVGD: "Not Available". The valine amino acid residue is found in multiple mammalian species, which suggests that this missense change does not adversely affect protein function. In summary, the available evidence is currently insufficient to determine the role of this variant in disease. Therefore, it has been classified as a Variant of Uncertain Significance.

Ambry Genetics
Classification: Likely benign for Inborn genetic diseases. Last evaluated: 2021-09-13. Review status: criteria provided, single submitter. Criteria: Ambry Variant Classification Scheme 2023. Collection method: clinical testing. Allele origin: germline.